The following is an entry in ClinVar:

NM_025099.6(CTC1):c.2738C>T (p.Ala913Val)

Gene: CTC1 (CST telomere replication complex component 1; minus strand). Cytogenetic location: 17p13.1.
Variant type: single nucleotide variant.
Coding change: c.2738C>T on transcript NM_025099.6 (MANE Select); coding-DNA position 2738, C replaced by T.
Protein change: p.Ala913Val; replaces alanine 913 with valine.
Molecular consequence: missense variant. On other transcripts: non-coding transcript variant (1).
Genome position (GRCh38, 1-based): chr17:8,230,583, G>A on the plus strand (C>T on the coding strand, the complement: CTC1 is on the minus strand). VCF-style: chr17-8230583-G-A. GRCh37 (hg19) VCF-style: chr17-8133901-G-A.
Other names: short protein forms A913V.
Identifiers: ClinVar variation 582096 (VCV000582096.6), dbSNP rs771428933, ClinGen allele CA397974516.

ClinVar aggregate classification (germline): Uncertain significance (1 of 4 stars; one submission).

Conditions:
Dyskeratosis congenita. Identifiers: Orphanet 1775, MedGen C0265965, MONDO:0015780.

Allele frequency attached by ClinVar (database versions not stated): TOPMed 0.00001.
gnomAD v4.1: 23 of 1,614,058 alleles (0.0014%); highest among the groups gnomAD compares: South Asian, 0.0022%; no homozygotes.

Submission:

Labcorp Genetics (formerly Invitae), Labcorp
Classification: Uncertain significance for Dyskeratosis congenita. Last evaluated: 2022-10-14. Review status: criteria provided, single submitter. Criteria: Invitae Variant Classification Sherloc (09022015). Collection method: clinical testing. Allele origin: germline.
Comment: This sequence change replaces alanine, which is neutral and non-polar, with valine, which is neutral and non-polar, at codon 913 of the CTC1 protein (p.Ala913Val). This variant is present in population databases (no rsID available, gnomAD 0.003%). This variant has not been reported in the literature in individuals affected with CTC1-related conditions. ClinVar contains an entry for this variant (Variation ID: 582096). Advanced modeling of protein sequence and biophysical properties (such as structural, functional, and spatial information, amino acid conservation, physicochemical variation, residue mobility, and thermodynamic stability) performed at Invitae indicates that this missense variant is not expected to disrupt CTC1 protein function. In summary, the available evidence is currently insufficient to determine the role of this variant in disease. Therefore, it has been classified as a Variant of Uncertain Significance.